The following is an entry in ClinVar:

NM_001267550.2(TTN):c.6972G>A (p.Thr2324=)

Genes: TTN (titin; minus strand), LOC126806433 (BRD4-independent group 4 enhancer GRCh37_chr2:179638309-179639508; plus strand). Cytogenetic location: 2q31.2.
Variant type: single nucleotide variant.
Coding change: c.6972G>A on transcript NM_001267550.2 (MANE Select); coding-DNA position 6972, G replaced by A.
Protein change: p.Thr2324=; no amino-acid change (threonine 2324 retained).
Molecular consequence: synonymous variant.
Genome position (GRCh38, 1-based): chr2:178,774,292, C>T on the plus strand (G>A on the coding strand, the complement: TTN is on the minus strand). VCF-style: chr2-178774292-C-T. GRCh37 (hg19) VCF-style: chr2-179639019-C-T.
Other names: c.6834G>A, p.Thr2278= (NM_003319.4, NM_133432.3, NM_133437.4); c.6972G>A, p.Thr2324= (NM_133378.4, NM_133379.5, NM_001256850.1).
Identifiers: ClinVar variation 506751 (VCV000506751.14), dbSNP rs772147880, ClinGen allele CA2004929.

ClinVar aggregate classification (germline): Likely benign. Review status: criteria provided, multiple submitters, no conflicts (2 of 4 stars). 3 submissions from 3 submitters: Likely benign (3). Last evaluated 2026-02-02.

Conditions:
Dilated cardiomyopathy 1G (CMD1G). Identifiers: Orphanet 154, MedGen C1858763, MONDO:0011400, OMIM 604145.
Autosomal recessive limb-girdle muscular dystrophy type 2J (LGMDR10). Also called: Limb-girdle muscular dystrophy, type 2J; MUSCULAR DYSTROPHY, LIMB-GIRDLE, AUTOSOMAL RECESSIVE 10. Identifiers: Orphanet 140922, MedGen C1837342, MONDO:0012127, OMIM 608807.
Cardiovascular phenotype. Identifiers: MedGen CN230736.

Allele frequency attached by ClinVar (database versions not stated): gnomAD 0.00003; TOPMed 0.00003.
gnomAD v4.1: 20 of 1,613,936 alleles (0.0012%); highest among the groups gnomAD compares: African/African-American, 0.0093%; no homozygotes.

Submissions (3):

Labcorp Genetics (formerly Invitae), Labcorp
Classification: Likely benign for Dilated cardiomyopathy 1G; Autosomal recessive limb-girdle muscular dystrophy type 2J. Last evaluated: 2026-02-02. Review status: criteria provided, single submitter. Criteria: Invitae Variant Classification Sherloc (09022015). Collection method: clinical testing. Allele origin: germline.

Ambry Genetics
Classification: Likely benign for Cardiovascular phenotype. Last evaluated: 2019-01-04. Review status: criteria provided, single submitter. Criteria: Ambry Variant Classification Scheme 2023. Collection method: clinical testing. Allele origin: germline.

GeneDx
Classification: Likely benign. Last evaluated: 2017-05-30. Review status: criteria provided, single submitter. Criteria: GeneDx Variant Classification (06012015). Collection method: clinical testing. Allele origin: germline. Affected: yes.
Comment: This variant is considered likely benign or benign based on one or more of the following criteria: it is a conservative change, it occurs at a poorly conserved position in the protein, it is predicted to be benign by multiple in silico algorithms, and/or has population frequency not consistent with disease.